The following is an entry in ClinVar:

NM_001372.4(DNAH9):c.3G>A (p.Met1Ile)

Gene: DNAH9 (dynein axonemal heavy chain 9; plus strand). Cytogenetic location: 17p12.
Variant type: single nucleotide variant.
Coding change: c.3G>A on transcript NM_001372.4 (MANE Select); coding-DNA position 3, G replaced by A.
Protein change: p.Met1Ile; changes the start codon (methionine 1).
Molecular consequence: missense variant, initiator codon variant.
Genome position (GRCh38, 1-based): chr17:11,598,501, G>A. VCF-style: chr17-11598501-G-A. GRCh37 (hg19) VCF-style: chr17-11501818-G-A.
Other names: short protein forms M1I.
Identifiers: ClinVar variation 1970443 (VCV001970443.3), dbSNP rs1359925162, ClinGen allele CA398152899.

ClinVar aggregate classification (germline): Uncertain significance (1 of 4 stars; one submission).

Allele frequency attached by ClinVar (database versions not stated): gnomAD exomes 0.00001; TOPMed 0.00001.

Submission:

Labcorp Genetics (formerly Invitae), Labcorp
Classification: Uncertain significance. Last evaluated: 2021-09-17. Review status: criteria provided, single submitter. Criteria: Invitae Variant Classification Sherloc (09022015). Collection method: clinical testing. Allele origin: germline.
Comment: This sequence change affects the initiator methionine of the DNAH9 mRNA. The next in-frame methionine is located at codon 34. The frequency data for this variant in the population databases is considered unreliable, as metrics indicate insufficient coverage at this position in the ExAC database. This variant has not been reported in the literature in individuals affected with DNAH9-related conditions. In summary, the available evidence is currently insufficient to determine the role of this variant in disease. Therefore, it has been classified as a Variant of Uncertain Significance.